The following is an entry in ClinVar:

ClinVar aggregate classification (germline): Uncertain significance (1 of 4 stars; one submission).

Allele frequency attached by ClinVar (database versions not stated): gnomAD 0.00001; TOPMed 0.00001; gnomAD exomes 0.00003; ExAC 0.00005.
gnomAD v4.1: 18 of 1,558,030 alleles (0.0012%); highest among the groups gnomAD compares: Admixed American, 0.031%; no homozygotes.

Submission:

Labcorp Genetics (formerly Invitae), Labcorp
Classification: Uncertain significance. Last evaluated: 2023-06-27. Review status: criteria provided, single submitter. Criteria: Invitae Variant Classification Sherloc (09022015). Collection method: clinical testing. Allele origin: germline.
Comment: In summary, the available evidence is currently insufficient to determine the role of this variant in disease. Therefore, it has been classified as a Variant of Uncertain Significance. This variant is present in population databases (rs751856317, gnomAD 0.05%), and has an allele count higher than expected for a pathogenic variant. This sequence change falls in intron 9 of the PPOX gene. It does not directly change the encoded amino acid sequence of the PPOX protein. It affects a nucleotide within the consensus splice site. This variant has not been reported in the literature in individuals affected with PPOX-related conditions. ClinVar contains an entry for this variant (Variation ID: 2180677). Variants that disrupt the consensus splice site are a relatively common cause of aberrant splicing (PMID: 17576681, 9536098). Algorithms developed to predict the effect of sequence changes on RNA splicing suggest that this variant is not likely to affect RNA splicing.

Literature cited by the submitters: PubMed 17576681; PubMed 9536098.

NM_001122764.3(PPOX):c.988-3C>T

Gene: PPOX (protoporphyrinogen oxidase; plus strand). Cytogenetic location: 1q23.3.
Variant type: single nucleotide variant.
Coding change: c.988-3C>T on transcript NM_001122764.3 (MANE Select); 3 bases into the intron before coding-DNA position 988, C replaced by T.
Molecular consequence: intron variant.
Genome position (GRCh38, 1-based): chr1:161,170,406, C>T. VCF-style: chr1-161170406-C-T. GRCh37 (hg19) VCF-style: chr1-161140196-C-T.
Other names: c.502-3C>T (NM_001350130.2, NM_001350131.2, NM_001365401.1); c.889-3C>T (NM_001350128.2); c.580-3C>T (NM_001350129.2, NM_001365400.1); c.988-214C>T (NM_001365399.1); c.988-3C>T (NM_000309.5, NM_001365398.1).
Identifiers: ClinVar variation 2180677 (VCV002180677.4), dbSNP rs751856317, ClinGen allele CA1207327.